The following is an entry in ClinVar:

NM_000329.3(RPE65):c.457A>G (p.Thr153Ala)

Gene: RPE65 (retinoid isomerohydrolase RPE65; minus strand). Cytogenetic location: 1p31.3.
Variant type: single nucleotide variant.
Coding change: c.457A>G on transcript NM_000329.3 (MANE Select); coding-DNA position 457, A replaced by G.
Protein change: p.Thr153Ala; replaces threonine 153 with alanine.
Molecular consequence: missense variant.
Genome position (GRCh38, 1-based): chr1:68,444,569, T>C on the plus strand (A>G on the coding strand, the complement: RPE65 is on the minus strand). VCF-style: chr1-68444569-T-C. GRCh37 (hg19) VCF-style: chr1-68910252-T-C.
Other names: c.349A>G, p.Thr117Ala (NM_001406853.1); c.181A>G, p.Thr61Ala (NM_001406856.1, NM_001406857.1); c.457A>G, p.Thr153Ala (NM_001406859.1, NM_001406860.1); short protein forms T117A, T153A, T61A.
Identifiers: ClinVar variation 4687409 (VCV004687409.2).

ClinVar aggregate classification (germline): Conflicting classifications of pathogenicity. Review status: criteria provided, conflicting classifications (1 of 4 stars). 2 submissions from 2 submitters: Likely pathogenic (1); Uncertain significance (1). Last evaluated 2025-10-09.

Conditions:
RPE65-related disorder. Also called: RPE65-related condition; RPE65-related disorders. Identifiers: MedGen CN239301.

Submissions (2):

Women's Health and Genetics/Laboratory Corporation of America, LabCorp
Classification: Uncertain significance. Last evaluated: 2025-10-09. Review status: criteria provided, single submitter. Criteria: LabCorp Variant Classification Summary - May 2015. Collection method: clinical testing. Allele origin: germline.
Comment: Variant summary: RPE65 c.457A>G (p.Thr153Ala) results in a non-conservative amino acid change in the encoded protein sequence. Algorithms developed to predict the effect of missense changes on protein structure and function all suggest that this variant is likely to be disruptive. The variant allele was found at a frequency of 4e-06 in 251430 control chromosomes (gnomAD). c.457A>G has been observed in individuals affected with inherited retinal degenerations (Avila-Fernandez_2010, Lopez-Rodriguez_2021, Testa_2022). These data indicate that the variant may be associated with disease. To our knowledge, no experimental evidence demonstrating an impact on protein function has been reported. The following publications have been ascertained in the context of this evaluation (PMID: 21151602, 31964843, 34492281, 35129589). No submitters have cited clinical-significance assessments for this variant to ClinVar. Based on the evidence outlined above, the variant was classified as VUS-possibly pathogenic.

Blueprint Genetics
Classification: Likely pathogenic for RPE65-related disorders. Last evaluated: 2022-05-16. Review status: criteria provided, single submitter. Criteria: ACMG Guidelines, 2015. Collection method: clinical testing. Allele origin: germline. Affected: yes. Observed: 2 variant alleles.

Literature cited by the submitters: PubMed 35129589 (cited by Women's Health and Genetics/Laboratory Corporation of America, LabCorp); PubMed 21151602 (cited by Women's Health and Genetics/Laboratory Corporation of America, LabCorp); PubMed 34492281 (cited by Women's Health and Genetics/Laboratory Corporation of America, LabCorp); PubMed 31964843 (cited by Women's Health and Genetics/Laboratory Corporation of America, LabCorp).